The following is an entry in ClinVar:

NM_015215.4(CAMTA1):c.235-3C>T

Gene: CAMTA1 (calmodulin binding transcription activator 1; plus strand). Cytogenetic location: 1p36.31.
Variant type: single nucleotide variant.
Coding change: c.235-3C>T on transcript NM_015215.4 (MANE Select); 3 bases into the intron before coding-DNA position 235, C replaced by T.
Molecular consequence: intron variant.
Genome position (GRCh38, 1-based): chr1:7,091,301, C>T. VCF-style: chr1-7091301-C-T. GRCh37 (hg19) VCF-style: chr1-7151361-C-T.
Other names: c.235-3C>T (NM_001349609.2, NM_001349610.2, NM_001410737.1 and 1 more transcripts); c.145-3C>T (NM_001349608.2, NM_001349612.2).
Identifiers: ClinVar variation 2504804 (VCV002504804.2), dbSNP rs2523687724, ClinGen allele CA2580611392.
Genomic context (GRCh38, chr1:7,091,301, plus strand): 5'-CTTACCTCTCAGGATCCAATGTGAGCTAATTGTTGTTATTATCTTTTTATTCTTCTGTTT[C>T]AGGAAATTGCAGCTTATTTAATAACATTTGAGAAACACGAAGAATGGCTAACCACCTCCC-3'

ClinVar aggregate classification (germline): Uncertain significance (1 of 4 stars; one submission).

Allele frequency attached by ClinVar (database versions not stated): gnomAD exomes 0.00001.
gnomAD v4.1: 6 of 1,600,666 alleles (0.00037%); highest among the groups gnomAD compares: Non-Finnish European, 0.00051%; no homozygotes.

Submission:

GeneDx
Classification: Uncertain significance. Last evaluated: 2023-07-10. Review status: criteria provided, single submitter. Criteria: GeneDx Variant Classification Process June 2021. Collection method: clinical testing. Allele origin: germline.
Comment: Not observed at significant frequency in large population cohorts (gnomAD); In silico analysis supports that this variant does not alter splicing; Has not been previously published as pathogenic or benign to our knowledge